The following is an entry in ClinVar:

NM_003062.4(SLIT3):c.2169G>A (p.Pro723=)

Gene: SLIT3 (slit guidance ligand 3; minus strand). Cytogenetic location: 5q34.
Variant type: single nucleotide variant.
Coding change: c.2169G>A on transcript NM_003062.4 (MANE Select); coding-DNA position 2169, G replaced by A.
Protein change: p.Pro723=; no amino-acid change (proline 723 retained).
Molecular consequence: synonymous variant.
Genome position (GRCh38, 1-based): chr5:168,748,403, C>T on the plus strand (G>A on the coding strand, the complement: SLIT3 is on the minus strand). VCF-style: chr5-168748403-C-T. GRCh37 (hg19) VCF-style: chr5-168175408-C-T.
Other names: c.2169G>A, p.Pro723= (NM_001271946.2); c.2169G>A (NM_001271946.1).
Identifiers: ClinVar variation 726060 (VCV000726060.5), dbSNP rs147915250, ClinGen allele CA3551377.

ClinVar aggregate classification (germline): Likely benign. Review status: criteria provided, single submitter (1 of 4 stars). 2 submissions from 2 submitters: Likely benign (1). 1 of the submissions does not count toward it. Last evaluated 2018-06-05.

Conditions:
SLIT3-related disorder. Also called: SLIT3-related condition.

Allele frequency attached by ClinVar (database versions not stated): 1000 Genomes Project 30x 0.00047; 1000 Genomes Project 0.00060; ESP Exome Variant Server 0.00069; TOPMed 0.00111.
gnomAD v4.1: 394 of 1,522,684 alleles (0.026%); highest among the groups gnomAD compares: African/African-American, 0.3%; 1 homozygote.

Submissions (2):

Labcorp Genetics (formerly Invitae), Labcorp
Classification: Likely benign. Last evaluated: 2018-06-05. Review status: criteria provided, single submitter. Criteria: Invitae Variant Classification Sherloc (09022015). Collection method: clinical testing. Allele origin: germline.

PreventionGenetics, part of Exact Sciences
Classification: Likely benign for SLIT3-related condition. Last evaluated: 2024-02-12. Review status: no assertion criteria provided. Collection method: clinical testing. Allele origin: germline. Not counted in ClinVar's aggregate classification.
Comment: This variant is classified as likely benign based on ACMG/AMP sequence variant interpretation guidelines (Richards et al. 2015 PMID: 25741868, with internal and published modifications).